The following is an entry in ClinVar:

ClinVar aggregate classification (germline): Benign. Review status: criteria provided, multiple submitters, no conflicts (2 of 4 stars). 4 submissions from 4 submitters: Benign (4). Last evaluated 2026-02-01.

Conditions:
Retinitis pigmentosa (RP). Identifiers: Orphanet 791, MedGen C0035334, MeSH D012174, MONDO:0019200, OMIM 268000. Inheritance: Autosomal dominant, autosomal recessive and X linked inheritance.
Retinitis pigmentosa 13 (RP13). Also called: PRPF 8-Related Retinitis Pigmentosa. Identifiers: Orphanet 791, MedGen C1838702, MONDO:0010806, OMIM 600059.

Allele frequency attached by ClinVar (database versions not stated): 1000 Genomes Project 0.01737; gnomAD 0.01753 and 0.01890; 1000 Genomes Project 30x 0.01921; TOPMed 0.01994; ESP Exome Variant Server 0.02053; gnomAD exomes 0.00165 and 0.00447; ExAC 0.00562.
gnomAD v4.1: 5,186 of 1,613,980 alleles (0.32%); highest among the groups gnomAD compares: African/African-American, 6.1%; 168 homozygotes.

Submissions (4):

Labcorp Genetics (formerly Invitae), Labcorp
Classification: Benign. Last evaluated: 2026-02-01. Review status: criteria provided, single submitter. Criteria: Invitae Variant Classification Sherloc (09022015). Collection method: clinical testing. Allele origin: germline.

Fulgent Genetics
Classification: Benign for Retinitis pigmentosa 13. Last evaluated: 2021-10-14. Review status: criteria provided, single submitter. Criteria: ACMG Guidelines, 2015. Collection method: clinical testing. Allele origin: unknown.

Illumina Laboratory Services, Illumina
Classification: Benign for Retinitis pigmentosa. Last evaluated: 2018-01-13. Review status: criteria provided, single submitter. Criteria: ICSL Variant Classification Criteria 13 December 2019. Collection method: clinical testing. Allele origin: germline.
Comment: This variant was observed in the ICSL laboratory as part of a predisposition screen in an ostensibly healthy population. It had not been previously curated by ICSL or reported in the Human Gene Mutation Database (HGMD: prior to June 1st, 2018), and was therefore a candidate for classification through an automated scoring system. Utilizing variant allele frequency, disease prevalence and penetrance estimates, and inheritance mode, an automated score was calculated to assess if this variant is too frequent to cause the disease. Based on the score and internal cut-off values, a variant classified as benign is not then subjected to further curation. The score for this variant resulted in a classification of benign for this disease.

Breakthrough Genomics
Classification: Benign. Review status: criteria provided, single submitter. Criteria: ACMG Guidelines, 2015. Collection method: not provided. Allele origin: germline. Inheritance: Autosomal dominant inheritance. Affected: yes.

NM_006445.4(PRPF8):c.2873-13T>C

Gene: PRPF8 (pre-mRNA processing factor 8; minus strand). Cytogenetic location: 17p13.3.
Variant type: single nucleotide variant.
Coding change: c.2873-13T>C on transcript NM_006445.4 (MANE Select); 13 bases into the intron before coding-DNA position 2873, T replaced by C.
Molecular consequence: intron variant.
Genome position (GRCh38, 1-based): chr17:1,675,352, A>G on the plus strand (T>C on the coding strand, the complement: PRPF8 is on the minus strand). VCF-style: chr17-1675352-A-G. GRCh37 (hg19) VCF-style: chr17-1578646-A-G.
Identifiers: ClinVar variation 321897 (VCV000321897.14), dbSNP rs57276551, ClinGen allele CA8272021.